The following is an entry in ClinVar:

NM_024529.5(CDC73):c.1016C>G (p.Pro339Arg)

Gene: CDC73 (cell division cycle 73; plus strand). Cytogenetic location: 1q31.2.
Variant type: single nucleotide variant.
Coding change: c.1016C>G on transcript NM_024529.5 (MANE Select); coding-DNA position 1016, C replaced by G.
Protein change: p.Pro339Arg; replaces proline 339 with arginine.
Molecular consequence: missense variant.
Genome position (GRCh38, 1-based): chr1:193,203,838, C>G. VCF-style: chr1-193203838-C-G. GRCh37 (hg19) VCF-style: chr1-193172968-C-G.
Other names: short protein forms P339R.
Identifiers: ClinVar variation 403890 (VCV000403890.11), dbSNP rs1060500018, ClinGen allele CA16609967.
Genomic context (GRCh38, chr1:193,203,838, plus strand): 5'-TTCTTATTCTTTTAAAGGAGGGTGCATCTGCCCGGAAGACTCAGACTCCTGCAGCCCAGC[C>G]AGTACCAAGACCAGGTAGAAATATAGAACTTTGCTTTTTGTTTTCTTTCAAAAGATCGTA-3'
Protein context (NP_078805.3, residues 329-349): ARKTQTPAAQ[Pro339Arg]VPRPVSQARP

ClinVar aggregate classification (germline): Uncertain significance. Review status: criteria provided, multiple submitters, no conflicts (2 of 4 stars). 2 submissions from 2 submitters: Uncertain significance (2). Last evaluated 2025-02-09.

Conditions:
Parathyroid carcinoma (PRTC). Also called: CDC73-Related Parathyroid Carcinoma; Parathyroid gland carcinoma. Identifiers: Orphanet 143, MedGen C0687150, MONDO:0012004, OMIM 608266, HP:0006780.
Hereditary cancer-predisposing syndrome. Also called: Neoplastic Syndromes, Hereditary; Hereditary Cancer Syndrome; Tumor predisposition; Hereditary neoplastic syndrome. Identifiers: Orphanet 140162, MedGen C0027672, MeSH D009386, MONDO:0015356.

Submissions (2):

Labcorp Genetics (formerly Invitae), Labcorp
Classification: Uncertain significance for Parathyroid carcinoma. Last evaluated: 2025-02-09. Review status: criteria provided, single submitter. Criteria: Invitae Variant Classification Sherloc (09022015). Collection method: clinical testing. Allele origin: germline.
Comment: This sequence change replaces proline, which is neutral and non-polar, with arginine, which is basic and polar, at codon 339 of the CDC73 protein (p.Pro339Arg). This variant is not present in population databases (gnomAD no frequency). This variant has not been reported in the literature in individuals affected with CDC73-related conditions. ClinVar contains an entry for this variant (Variation ID: 403890). Invitae Evidence Modeling of protein sequence and biophysical properties (such as structural, functional, and spatial information, amino acid conservation, physicochemical variation, residue mobility, and thermodynamic stability) indicates that this missense variant is not expected to disrupt CDC73 protein function with a negative predictive value of 80%. In summary, the available evidence is currently insufficient to determine the role of this variant in disease. Therefore, it has been classified as a Variant of Uncertain Significance.

Ambry Genetics
Classification: Uncertain significance for Hereditary cancer-predisposing syndrome. Last evaluated: 2020-03-19. Review status: criteria provided, single submitter. Criteria: Ambry Variant Classification Scheme 2023. Collection method: clinical testing. Allele origin: germline.
Comment: The p.P339R variant (also known as c.1016C>G), located in coding exon 11 of the CDC73 gene, results from a C to G substitution at nucleotide position 1016. The proline at codon 339 is replaced by arginine, an amino acid with dissimilar properties. This amino acid position is highly conserved in available vertebrate species. In addition, the in silico prediction for this alteration is inconclusive. Since supporting evidence is limited at this time, the clinical significance of this alteration remains unclear.